The following is an entry in ClinVar:

ClinVar aggregate classification (germline): Uncertain significance (1 of 4 stars; one submission).

Conditions:
Dilated cardiomyopathy 1DD (CMD1DD). Identifiers: Orphanet 154, MedGen C2750995, MONDO:0013168, OMIM 613172.

Allele frequency attached by ClinVar (database versions not stated): TOPMed below 0.00001; gnomAD 0.00001.
gnomAD v4.1: 1 of 1,551,812 alleles (0.000064%); highest among the groups gnomAD compares: Non-Finnish European, 0.000087%; no homozygotes.

Submission:

Labcorp Genetics (formerly Invitae), Labcorp
Classification: Uncertain significance for Dilated cardiomyopathy 1DD. Last evaluated: 2025-06-11. Review status: criteria provided, single submitter. Criteria: Invitae Variant Classification Sherloc (09022015). Collection method: clinical testing. Allele origin: germline.
Comment: This sequence change replaces leucine, which is neutral and non-polar, with valine, which is neutral and non-polar, at codon 133 of the RBM20 protein (p.Leu133Val). This variant is not present in population databases (gnomAD no frequency). This variant has not been reported in the literature in individuals affected with RBM20-related conditions. ClinVar contains an entry for this variant (Variation ID: 1475578). Invitae Evidence Modeling of protein sequence and biophysical properties (such as structural, functional, and spatial information, amino acid conservation, physicochemical variation, residue mobility, and thermodynamic stability) indicates that this missense variant is not expected to disrupt RBM20 protein function with a negative predictive value of 95%. In summary, the available evidence is currently insufficient to determine the role of this variant in disease. Therefore, it has been classified as a Variant of Uncertain Significance.

NM_001134363.3(RBM20):c.397C>G (p.Leu133Val)

Gene: RBM20 (RNA binding motif protein 20; plus strand). Cytogenetic location: 10q25.2.
Variant type: single nucleotide variant.
Coding change: c.397C>G on transcript NM_001134363.3 (MANE Select); coding-DNA position 397, C replaced by G.
Protein change: p.Leu133Val; replaces leucine 133 with valine.
Molecular consequence: missense variant.
Genome position (GRCh38, 1-based): chr10:110,781,006, C>G. VCF-style: chr10-110781006-C-G. GRCh37 (hg19) VCF-style: chr10-112540764-C-G.
Other names: short protein forms L133V.
Identifiers: ClinVar variation 1475578 (VCV001475578.6), dbSNP rs1446238793, ClinGen allele CA378379997.